The following is an entry in ClinVar:

ClinVar aggregate classification (germline): Conflicting classifications of pathogenicity. Review status: criteria provided, conflicting classifications (1 of 4 stars). 4 submissions from 4 submitters: Uncertain significance (1); Likely benign (2). 1 of the submissions does not count toward it. Last evaluated 2026-01-01.

Conditions:
Tuberous sclerosis syndrome (TSC). Also called: Tuberous Sclerosis Complex; Tuberous sclerosis. Identifiers: Orphanet 805, MedGen C0041341, MONDO:0001734.
Tuberous sclerosis 2 (TSC2). Identifiers: Orphanet 805, MedGen C1860707, MONDO:0013199, OMIM 613254.

Submissions (4):

CeGaT Center for Human Genetics Tuebingen
Classification: Likely benign. Last evaluated: 2026-01-01. Review status: criteria provided, single submitter. Criteria: CeGaT Center For Human Genetics Tuebingen Variant Classification Criteria Version 2. Collection method: clinical testing. Allele origin: germline. Affected: yes. Observed: 1 variant allele.
Comment: TSC2: BP4, BS1

Labcorp Genetics (formerly Invitae), Labcorp
Classification: Uncertain significance for Tuberous sclerosis 2. Last evaluated: 2025-11-26. Review status: criteria provided, single submitter. Criteria: Invitae Variant Classification Sherloc (09022015). Collection method: clinical testing. Allele origin: germline.
Comment: This sequence change falls in intron 35 of the TSC2 gene. It does not directly change the encoded amino acid sequence of the TSC2 protein. RNA analysis indicates that this variant induces altered splicing and may result in an absent or altered protein product. This variant is present in population databases (rs770481057, gnomAD 0.005%). This variant has not been reported in the literature in individuals affected with TSC2-related conditions. ClinVar contains an entry for this variant (Variation ID: 49531). Studies have shown that this variant results in activation of a cryptic spice site, and produces a non-functional protein and/or introduces a premature termination codon (internal data). In summary, the available evidence is currently insufficient to determine the role of this variant in disease. Therefore, it has been classified as a Variant of Uncertain Significance.

GeneDx
Classification: Likely benign. Last evaluated: 2019-02-25. Review status: criteria provided, single submitter. Criteria: GeneDx Variant Classification Process June 2021. Collection method: clinical testing. Allele origin: germline. Affected: yes.

Tuberous sclerosis database (TSC2)
No classification provided. Condition: TSC. Review status: no classification provided. Criteria: Tuberous Sclerosis Database Assertion Criteria 2015. Collection method: curation. Allele origin: germline. Affected: yes. Not counted in ClinVar's aggregate classification.

NM_000548.5(TSC2):c.4570-21_4570-11dup

Gene: TSC2 (TSC complex subunit 2; plus strand). Cytogenetic location: 16p13.3.
Variant type: Duplication.
Coding change: c.4570-21_4570-11dup on transcript NM_000548.5 (MANE Select); 21 bases into the intron before coding-DNA position 4570 through 11 bases into the intron before coding-DNA position 4570, 11 bases duplicated (GCAGGGCTCTG).
Molecular consequence: intron variant.
Genome position (GRCh38, 1-based): chr16:2,085,209-2,085,219, GCAGGGCTCTG duplicated; duplicating any 11 consecutive bases within chr16:2,085,208-2,085,219 gives the same sequence; the c. name uses the placement nearest the transcript's 3' end. VCF-style (leftmost placement, unchanged base first): chr16-2085207-A-AGGCAGGGCTCT. GRCh37 (hg19) VCF-style: chr16-2135208-A-AGGCAGGGCTCT.
Other names: c.4570-21_4570-11dupGCAGGGCTCTG (NM_000548.3); c.4501-21_4501-11dup (NM_001114382.3); c.4441-21_4441-11dup (NM_021055.3, NM_001370405.1); c.4372-21_4372-11dup (NM_001363528.2); c.4438-21_4438-11dup (NM_001370404.1); c.4369-21_4369-11dup (NM_001077183.3); c.4261-21_4261-11dup (NM_001318827.2); c.3838-21_3838-11dup (NM_001318831.2); and 2 more.
Identifiers: ClinVar variation 49531 (VCV000049531.12), dbSNP rs137854040, ClinGen allele CA020685.